The following is an entry in ClinVar:

ClinVar aggregate classification (germline): Pathogenic (1 of 4 stars; one submission).

Conditions:
Spastic paraplegia. Identifiers: MedGen C0037772, HP:0001258.

Submission:

Labcorp Genetics (formerly Invitae), Labcorp
Classification: Pathogenic for Spastic paraplegia. Last evaluated: 2024-10-17. Review status: criteria provided, single submitter. Criteria: Invitae Variant Classification Sherloc (09022015). Collection method: clinical testing. Allele origin: germline.
Comment: This sequence change creates a premature translational stop signal (p.Ala887Valfs*48) in the KDM5C gene. It is expected to result in an absent or disrupted protein product. Loss-of-function variants in KDM5C are known to be pathogenic (PMID: 15586325, 18697827). This variant is not present in population databases (gnomAD no frequency). This variant has not been reported in the literature in individuals affected with KDM5C-related conditions. Algorithms developed to predict the effect of sequence changes on RNA splicing suggest that this variant may disrupt the consensus splice site. For these reasons, this variant has been classified as Pathogenic.

Literature cited by the submitters: PubMed 15586325; PubMed 18697827.

NM_004187.5(KDM5C):c.2660del (p.Ala887fs)

Gene: KDM5C (lysine demethylase 5C; minus strand). Cytogenetic location: Xp11.22.
Variant type: Deletion.
Coding change: c.2660del on transcript NM_004187.5 (MANE Select); coding-DNA position 2660, one base deleted (C; older notation c.2660delC).
Protein change: p.Ala887fs; shifts the reading frame from alanine 887.
Molecular consequence: frameshift variant. On other transcripts: non-coding transcript variant (3).
Genome position (GRCh38, 1-based): chrX:53,197,007, G deleted on the plus strand (C on the coding strand, the reverse complement: KDM5C is on the minus strand). VCF-style (leftmost placement, unchanged base first): chrX-53197006-AG-A. GRCh37 (hg19) VCF-style: chrX-53226188-AG-A.
Other names: c.2459del, p.Ala820fs (NM_001146702.2); c.2657del, p.Ala886fs (NM_001282622.3, NM_001353979.2, NM_001353982.2); c.2660del, p.Ala887fs (NM_001353978.3, NM_001353981.2, NM_001353984.2); short protein forms A820fs, A887fs, A886fs.
Identifiers: ClinVar variation 2693313 (VCV002693313.3), dbSNP rs2519399940, ClinGen allele CA2697553099.